The following is an entry in ClinVar:

ClinVar aggregate classification (germline): Pathogenic (1 of 4 stars; one submission).

Conditions:
Spastic paraplegia 86, autosomal recessive (SPG86). Identifiers: Orphanet 631085, MedGen C5676910, MONDO:0030673, OMIM 619735.

Submission:

3billion
Classification: Pathogenic for Spastic paraplegia 86, autosomal recessive. Last evaluated: 2024-12-30. Review status: criteria provided, single submitter. Criteria: ACMG Guidelines, 2015. Collection method: clinical testing. Allele origin: germline. Affected: yes.
Comment: The variant is observed at an extremely low frequency in the gnomAD v4.1.0 dataset (total allele frequency: <0.001%). Predicted Consequence/Location: Stop-gained (nonsense): predicted to result in a loss or disruption of normal protein function through nonsense-mediated decay (NMD) or protein truncation. Multiple pathogenic variants are reported downstream of the variant. Therefore, this variant is classified as Pathogenic according to the recommendation of ACMG/AMP guideline.

NM_021160.3(ABHD16A):c.1402C>T (p.Arg468Ter)

Gene: ABHD16A (abhydrolase domain containing 16A, phospholipase; minus strand). Cytogenetic location: 6p21.33.
Variant type: single nucleotide variant.
Coding change: c.1402C>T on transcript NM_021160.3 (MANE Select); coding-DNA position 1402, C replaced by T.
Protein change: p.Arg468Ter; replaces arginine 468 with a stop codon.
Molecular consequence: nonsense. On other transcripts: non-coding transcript variant (2).
Genome position (GRCh38, 1-based): chr6:31,687,869, G>A on the plus strand (C>T on the coding strand, the complement: ABHD16A is on the minus strand). VCF-style: chr6-31687869-G-A. GRCh37 (hg19) VCF-style: chr6-31655646-G-A.
Other names: c.1303C>T, p.Arg435Ter (NM_001177515.2); short protein forms R435*, R468*.
Identifiers: ClinVar variation 4292648 (VCV004292648.1).